The following is an entry in ClinVar:

ClinVar aggregate classification (germline): Uncertain significance. Review status: criteria provided, multiple submitters, no conflicts (2 of 4 stars). 2 submissions from 2 submitters: Uncertain significance (2). Last evaluated 2025-09-01.

Conditions:
DGUOK-related disorder. Also called: DGUOK-related condition.

gnomAD v4.1: 14 of 1,614,018 alleles (0.00087%); highest among the groups gnomAD compares: East Asian, 0.031%; no homozygotes.

Submissions (2):

PreventionGenetics, part of Exact Sciences
Classification: Uncertain significance for DGUOK-related condition. Last evaluated: 2025-09-01. Review status: criteria provided, single submitter. Criteria: ACMG Guidelines, 2015. Collection method: clinical testing. Allele origin: germline.
Comment: The DGUOK c.361G>C variant is predicted to result in the amino acid substitution p.Val121Leu. To our knowledge, this variant has not been reported in the literature. This variant is reported in 0.038% of alleles in individuals of East Asian descent in gnomAD. At this time, the clinical significance of this variant is uncertain due to the absence of conclusive functional and genetic evidence.

Eurofins Ntd Llc (ga)
Classification: Uncertain significance. Last evaluated: 2017-05-31. Review status: criteria provided, single submitter. Criteria: EGL Classification Definitions 2015. Collection method: clinical testing. Allele origin: germline. Observed: 1 variant allele, 1 heterozygote.

NM_080916.3(DGUOK):c.361G>C (p.Val121Leu)

Gene: DGUOK (deoxyguanosine kinase; plus strand). Cytogenetic location: 2p13.1.
Variant type: single nucleotide variant.
Coding change: c.361G>C on transcript NM_080916.3 (MANE Select); coding-DNA position 361, G replaced by C.
Protein change: p.Val121Leu; replaces valine 121 with leucine.
Molecular consequence: missense variant. On other transcripts: non-coding transcript variant (5).
Genome position (GRCh38, 1-based): chr2:73,946,824, G>C. VCF-style: chr2-73946824-G-C. GRCh37 (hg19) VCF-style: chr2-74173951-G-C.
Other names: c.361G>C (NM_080916.2); c.361G>C, p.Val121Leu (NM_001318859.2, NM_080918.3); c.70G>C, p.Val24Leu (NM_001318860.2, NM_001318861.2, NM_001318862.2 and 1 more transcripts); short protein forms V121L, V24L.
Identifiers: ClinVar variation 502358 (VCV000502358.6), dbSNP rs756158114, ClinGen allele CA1718239.